The following is an entry in ClinVar:

NM_001211.6(BUB1B):c.1643C>T (p.Pro548Leu)

Gene: BUB1B (BUB1 mitotic checkpoint serine/threonine kinase B; plus strand). Cytogenetic location: 15q15.1.
Variant type: single nucleotide variant.
Coding change: c.1643C>T on transcript NM_001211.6 (MANE Select); coding-DNA position 1643, C replaced by T.
Protein change: p.Pro548Leu; replaces proline 548 with leucine.
Molecular consequence: missense variant.
Genome position (GRCh38, 1-based): chr15:40,202,603, C>T. VCF-style: chr15-40202603-C-T. GRCh37 (hg19) VCF-style: chr15-40494804-C-T.
Other names: short protein forms P548L.
Identifiers: ClinVar variation 5033489 (VCV005033489.1).
Genomic context (GRCh38, chr15:40,202,603, plus strand): 5'-TTACTGTTATGAAAAAAATTGCTAAGTGAGGTATGTCTTTTTCCAGTCCTCCTGCAGATC[C>T]CCCACGAGTTTTAGCTCAACGAAGACCCCTTGCAGTTCTCAAAACCTCAGAAAGCATCAC-3'
Protein context (NP_001202.5, residues 538-558): EKKNKSPPAD[Pro548Leu]PRVLAQRRPL

ClinVar aggregate classification (germline): Uncertain significance (1 of 4 stars; one submission).

Conditions:
Inborn genetic diseases. Identifiers: MedGen C0950123, MeSH D030342.

Submission:

Ambry Genetics
Classification: Uncertain significance for Inborn genetic diseases. Last evaluated: 2026-08-22. Review status: criteria provided, single submitter. Criteria: Ambry Variant Classification Scheme 2023. Collection method: clinical testing. Allele origin: germline.
Comment: The p.P548L variant (also known as c.1643C>T), located in coding exon 14 of the BUB1B gene, results from a C to T substitution at nucleotide position 1643. The proline at codon 548 is replaced by leucine, an amino acid with similar properties. This amino acid position is conserved. In addition, this alteration is predicted to be tolerated by in silico analysis. Based on the available evidence, the clinical significance of this variant remains unclear.